The following is an entry in ClinVar:

ClinVar aggregate classification (germline): Benign/Likely benign. Review status: criteria provided, multiple submitters, no conflicts (2 of 4 stars). 3 submissions from 3 submitters: Benign (1); Likely benign (2). Last evaluated 2026-08-01.

Allele frequency attached by ClinVar (database versions not stated): gnomAD 0.00011 and 0.00012; TOPMed 0.00011; gnomAD exomes 0.00014 and 0.00017; ExAC 0.00019; ESP Exome Variant Server 0.00009.
gnomAD v4.1: 201 of 1,210,813 alleles (0.017%); highest among the groups gnomAD compares: Non-Finnish European, 0.021%; no homozygotes.

Submissions (3):

CeGaT Center for Human Genetics Tuebingen
Classification: Likely benign. Last evaluated: 2026-08-01. Review status: criteria provided, single submitter. Criteria: CeGaT Center For Human Genetics Tuebingen Variant Classification Criteria Version 2. Collection method: clinical testing. Allele origin: germline. Affected: yes. Observed: 1 variant allele.
Comment: AMER1: BS2

Labcorp Genetics (formerly Invitae), Labcorp
Classification: Benign. Last evaluated: 2025-12-04. Review status: criteria provided, single submitter. Criteria: Invitae Variant Classification Sherloc (09022015). Collection method: clinical testing. Allele origin: germline.

Laboratory of Genetics, Children's Clinical University Hospital Latvia
Classification: Likely benign. Last evaluated: 2025-02-16. Review status: criteria provided, single submitter. Criteria: ACMG Guidelines, 2015. Collection method: clinical testing. Allele origin: germline. Affected: yes.

NM_152424.4(AMER1):c.2175T>G (p.Asp725Glu)

Gene: AMER1 (APC membrane recruitment protein 1; minus strand). Cytogenetic location: Xq11.2.
Variant type: single nucleotide variant.
Coding change: c.2175T>G on transcript NM_152424.4 (MANE Select); coding-DNA position 2175, T replaced by G.
Protein change: p.Asp725Glu; replaces aspartic acid 725 with glutamic acid.
Molecular consequence: missense variant.
Genome position (GRCh38, 1-based): chrX:64,191,112, A>C on the plus strand (T>G on the coding strand, the complement: AMER1 is on the minus strand). VCF-style: chrX-64191112-A-C. GRCh37 (hg19) VCF-style: chrX-63410992-A-C.
Other names: short protein forms D725E.
Identifiers: ClinVar variation 745835 (VCV000745835.8), dbSNP rs369699027, ClinGen allele CA10432227.
Genomic context (GRCh38, chrX:64,191,112, plus strand): 5'-GTAGGCCCTCCTGGGAGATCCTCCAAAATTTGCTTCTTGCATGTCTGGCTCAAACATGGC[A>C]TCACTCTGGAAGAGCTGCATCAGGCAGGTACTTTGATCTTTCTTGGAGCAGGTTCCTTCA-3'
Protein context (NP_689637.3, residues 715-735): STCLMQLFQS[Asp725Glu]AMFEPDMQEA